The following is an entry in ClinVar:

NM_021098.3(CACNA1H):c.475G>A (p.Gly159Arg)

Gene: CACNA1H (calcium voltage-gated channel subunit alpha1 H; plus strand). Cytogenetic location: 16p13.3.
Variant type: single nucleotide variant.
Coding change: c.475G>A on transcript NM_021098.3 (MANE Select); coding-DNA position 475, G replaced by A.
Protein change: p.Gly159Arg; replaces glycine 159 with arginine.
Molecular consequence: missense variant.
Genome position (GRCh38, 1-based): chr16:1,195,495, G>A. VCF-style: chr16-1195495-G-A. GRCh37 (hg19) VCF-style: chr16-1245495-G-A.
Other names: c.475G>A, p.Gly159Arg (NM_001005407.2); short protein forms G159R.
Identifiers: ClinVar variation 2952051 (VCV002952051.3), dbSNP rs2548606168, ClinGen allele CA394152771.

ClinVar aggregate classification (germline): Uncertain significance (1 of 4 stars; one submission).

Conditions:
Idiopathic generalized epilepsy. Also called: Generalised epilepsy; EIG. Identifiers: MedGen C0270850, MONDO:0005579, OMIM 600669.
Hyperaldosteronism, familial, type IV (HALD4). Also called: FH IV; ALDOSTERONISM, PRIMARY, AND HYPERTENSION. Identifiers: Orphanet 642671, MedGen C4310756, MONDO:0014875, OMIM 617027.

Submission:

Labcorp Genetics (formerly Invitae), Labcorp
Classification: Uncertain significance for Idiopathic generalized epilepsy; Hyperaldosteronism, familial, type IV. Last evaluated: 2023-12-20. Review status: criteria provided, single submitter. Criteria: Invitae Variant Classification Sherloc (09022015). Collection method: clinical testing. Allele origin: germline.
Comment: This sequence change replaces glycine, which is neutral and non-polar, with arginine, which is basic and polar, at codon 159 of the CACNA1H protein (p.Gly159Arg). This variant is not present in population databases (gnomAD no frequency). This variant has not been reported in the literature in individuals affected with CACNA1H-related conditions. Advanced modeling of protein sequence and biophysical properties (such as structural, functional, and spatial information, amino acid conservation, physicochemical variation, residue mobility, and thermodynamic stability) performed at Invitae indicates that this missense variant is expected to disrupt CACNA1H protein function with a positive predictive value of 80%. In summary, the available evidence is currently insufficient to determine the role of this variant in disease. Therefore, it has been classified as a Variant of Uncertain Significance.